The following is an entry in ClinVar:

NC_000009.12:g.35658020C>A

Gene: RMRP (RNA component of mitochondrial RNA processing endoribonuclease; minus strand). Cytogenetic location: 9p13.3.
Variant type: single nucleotide variant.
Genome position: GRCh38 VCF-style: chr9-35658020-C-A. GRCh37 (hg19) VCF-style: chr9-35658017-C-A.
Identifiers: ClinVar variation 1484558 (VCV001484558.6), dbSNP rs958637129, ClinGen allele CA192745743.

ClinVar aggregate classification (germline): Uncertain significance. Review status: criteria provided, multiple submitters, no conflicts (2 of 4 stars). 3 submissions from 3 submitters: Uncertain significance (3). Last evaluated 2026-01-16.

Conditions:
Metaphyseal chondrodysplasia, McKusick type (CHH). Also called: Cartilage-hair hypoplasia; Cartilage-Hair Hypoplasia (CHH). Identifiers: Orphanet 175, MedGen C0220748, MONDO:0009595, OMIM 250250.
Metaphyseal dysplasia without hypotrichosis. Also called: CARTILAGE-HAIR HYPOPLASIA VARIANT, SKELETAL MANIFESTATIONS ONLY; CARTILAGE-HAIR HYPOPLASIA-LIKE SKELETAL DYSPLASIA WITHOUT HYPOTRICHOSIS OR IMMUNODEFICIENCY; Metaphyseal Dysplasia without Hypotrichosis (MDWH). Identifiers: MedGen C1834821, MONDO:0009601, OMIM 250460.
Anauxetic dysplasia 1 (ANXD1). Also called: Anauxetic Dysplasia (AD). Identifiers: Orphanet 93347, MedGen C4551965, MONDO:0054560, OMIM 607095.
Anauxetic dysplasia. Identifiers: Orphanet 93347, MedGen C1846796, MONDO:0011773.

Submissions (3):

Women's Health and Genetics/Laboratory Corporation of America, LabCorp
Classification: Uncertain significance. Last evaluated: 2026-01-16. Review status: criteria provided, single submitter. Criteria: LabCorp Variant Classification Summary - May 2015. Collection method: clinical testing. Allele origin: germline.
Comment: Variant summary: RMRP n.-2G>T (also known as NC_000009.11: chr9:g.35658017C>A) is located in the untranscribed region upstream of the RMRP gene region. The variant allele was found at a frequency of 0.00024 in 127388 control chromosomes. This frequency is not significantly higher than estimated for disease-causing variants in RMRP, allowing no conclusion about variant significance. To our knowledge, no occurrence of n.-2G>T in individuals affected with RMRP-related conditions and no experimental evidence demonstrating its impact on protein function have been reported. ClinVar contains an entry for this variant (Variation ID: 1484558). Based on the evidence outlined above, the variant was classified as uncertain significance.

Labcorp Genetics (formerly Invitae), Labcorp
Classification: Uncertain significance for Anauxetic dysplasia. Last evaluated: 2024-01-06. Review status: criteria provided, single submitter. Criteria: Invitae Variant Classification Sherloc (09022015). Collection method: clinical testing. Allele origin: germline.
Comment: This variant occurs in the RMRP gene, which encodes an RNA molecule that does not result in a protein product. This variant is present in population databases (no rsID available, gnomAD 0.1%). This variant has not been reported in the literature in individuals affected with RMRP-related conditions. ClinVar contains an entry for this variant (Variation ID: 1484558). Experimental studies and prediction algorithms are not available or were not evaluated, and the functional significance of this variant is currently unknown. In summary, the available evidence is currently insufficient to determine the role of this variant in disease. Therefore, it has been classified as a Variant of Uncertain Significance.

Fulgent Genetics
Classification: Uncertain significance for Metaphyseal chondrodysplasia, McKusick type; Metaphyseal dysplasia without hypotrichosis; Anauxetic dysplasia 1. Last evaluated: 2022-05-10. Review status: criteria provided, single submitter. Criteria: ACMG Guidelines, 2015. Collection method: clinical testing. Allele origin: unknown.